The following is an entry in ClinVar:

NM_001377.3(DYNC2H1):c.11455C>G (p.Pro3819Ala)

Gene: DYNC2H1 (dynein cytoplasmic 2 heavy chain 1; plus strand). Cytogenetic location: 11q22.3.
Variant type: single nucleotide variant.
Coding change: c.11455C>G on transcript NM_001377.3 (MANE Select); coding-DNA position 11455, C replaced by G.
Protein change: p.Pro3819Ala; replaces proline 3819 with alanine.
Molecular consequence: missense variant.
Genome position (GRCh38, 1-based): chr11:103,307,793, C>G. VCF-style: chr11-103307793-C-G. GRCh37 (hg19) VCF-style: chr11-103178522-C-G.
Other names: c.11476C>G, p.Pro3826Ala (NM_001080463.2); short protein forms P3819A, P3826A.
Identifiers: ClinVar variation 1721867 (VCV001721867.5), dbSNP rs771198773, ClinGen allele CA382262033.

ClinVar aggregate classification (germline): Uncertain significance (1 of 4 stars; one submission).

Conditions:
Jeune thoracic dystrophy. Also called: Jeune syndrome; Infantile thoracic dystrophy; Thoracic pelvic phalangeal dystrophy; Jeune's syndrome; Chondroectodermal dysplasia-like syndrome; Short-rib thoracic dysplasia. Identifiers: Orphanet 474, MedGen C0265275, MONDO:0018770.

Submission:

Labcorp Genetics (formerly Invitae), Labcorp
Classification: Uncertain significance for Jeune thoracic dystrophy. Last evaluated: 2022-12-21. Review status: criteria provided, single submitter. Criteria: Invitae Variant Classification Sherloc (09022015). Collection method: clinical testing. Allele origin: germline.
Comment: In summary, the available evidence is currently insufficient to determine the role of this variant in disease. Therefore, it has been classified as a Variant of Uncertain Significance. Advanced modeling of protein sequence and biophysical properties (such as structural, functional, and spatial information, amino acid conservation, physicochemical variation, residue mobility, and thermodynamic stability) performed at Invitae indicates that this missense variant is not expected to disrupt DYNC2H1 protein function. ClinVar contains an entry for this variant (Variation ID: 1721867). This variant has not been reported in the literature in individuals affected with DYNC2H1-related conditions. This variant is not present in population databases (gnomAD no frequency). This sequence change replaces proline, which is neutral and non-polar, with alanine, which is neutral and non-polar, at codon 3826 of the DYNC2H1 protein (p.Pro3826Ala).